The following is an entry in ClinVar:

NM_006412.4(AGPAT2):c.369_372del (p.Leu124fs)

Gene: AGPAT2 (1-acylglycerol-3-phosphate O-acyltransferase 2; minus strand). Cytogenetic location: 9q34.3.
Variant type: Deletion.
Coding change: c.369_372del on transcript NM_006412.4 (MANE Select); coding-DNA positions 369 to 372, 4 bases deleted (GCTC; older notation c.369_372delGCTC).
Protein change: p.Leu124fs; shifts the reading frame from leucine 124.
Molecular consequence: frameshift variant.
Genome position (GRCh38, 1-based): chr9:136,677,081-136,677,084, GAGC deleted on the plus strand (GCTC on the coding strand, the reverse complement: AGPAT2 is on the minus strand). VCF-style (leftmost placement, unchanged base first): chr9-136677080-AGAGC-A. GRCh37 (hg19) VCF-style: chr9-139571532-AGAGC-A.
Other names: c.369_372del, p.Leu124fs (NM_001012727.2); short protein forms L124fs.
Identifiers: ClinVar variation 1072415 (VCV001072415.22), dbSNP rs1693228350, ClinGen allele CA2497275545.

ClinVar aggregate classification (germline): Pathogenic. Review status: criteria provided, multiple submitters, no conflicts (2 of 4 stars). 3 submissions from 3 submitters: Pathogenic (3). Last evaluated 2024-11-01.

Conditions:
Congenital generalized lipodystrophy type 1 (CGL1). Also called: BRUNZELL SYNDROME, AGPAT2-RELATED; Berardinelli-Seip Congenital Lipodystrophy Type 1. Identifiers: Orphanet 528, Orphanet 696189, MedGen C1720862, MONDO:0012071, OMIM 608594.

Allele frequency attached by ClinVar (database versions not stated): gnomAD exomes below 0.00001; TOPMed below 0.00001.

Submissions (3):

CeGaT Center for Human Genetics Tuebingen
Classification: Pathogenic. Last evaluated: 2024-11-01. Review status: criteria provided, single submitter. Criteria: CeGaT Center For Human Genetics Tuebingen Variant Classification Criteria Version 2. Collection method: clinical testing. Allele origin: germline. Affected: yes. Observed: 1 variant allele.
Comment: AGPAT2: PVS1, PM2, PM3

Mendelics
Classification: Pathogenic for Congenital generalized lipodystrophy type 1. Last evaluated: 2022-05-04. Review status: criteria provided, single submitter. Criteria: Mendelics Assertion Criteria 2019. Collection method: clinical testing. Allele origin: germline.

Labcorp Genetics (formerly Invitae), Labcorp
Classification: Pathogenic. Last evaluated: 2017-07-29. Review status: criteria provided, single submitter. Criteria: Invitae Variant Classification Sherloc (09022015). Collection method: clinical testing. Allele origin: germline.
Comment: This sequence change creates a premature translational stop signal (p.Leu124Serfs*26) in the AGPAT2 gene. It is expected to result in an absent or disrupted protein product. For these reasons, this variant has been classified as Pathogenic. Loss-of-function variants in AGPAT2 are known to be pathogenic (PMID: 15181077, 11967537). This variant has not been reported in the literature in individuals with AGPAT2-related disease. This variant is not present in population databases (ExAC no frequency).

Literature cited by the submitters: PubMed 15181077 (cited by Labcorp Genetics (formerly Invitae), Labcorp); PubMed 11967537 (cited by Labcorp Genetics (formerly Invitae), Labcorp).